The following is an entry in ClinVar:

NM_007074.4(CORO1A):c.370G>A (p.Val124Ile)

Gene: CORO1A (coronin 1A; plus strand). Cytogenetic location: 16p11.2.
Variant type: single nucleotide variant.
Coding change: c.370G>A on transcript NM_007074.4 (MANE Select); coding-DNA position 370, G replaced by A.
Protein change: p.Val124Ile; replaces valine 124 with isoleucine.
Molecular consequence: missense variant.
Genome position (GRCh38, 1-based): chr16:30,186,864, G>A. VCF-style: chr16-30186864-G-A. GRCh37 (hg19) VCF-style: chr16-30198185-G-A.
Other names: c.370G>A, p.Val124Ile (NM_001193333.3); short protein forms V124I.
Identifiers: ClinVar variation 939403 (VCV000939403.6), dbSNP rs775411755, ClinGen allele CA8003107.

ClinVar aggregate classification (germline): Uncertain significance (1 of 4 stars; one submission).

Conditions:
Severe combined immunodeficiency due to CORO1A deficiency. Also called: IMMUNODEFICIENCY 8 WITH LYMPHOPROLIFERATION; Immunodeficiency 8. Identifiers: Orphanet 228003, MedGen C3809383, MONDO:0014168, OMIM 615401.

gnomAD v4.1: 11 of 1,611,932 alleles (0.00068%); highest among the groups gnomAD compares: South Asian, 0.0011%; no homozygotes.

Submission:

Labcorp Genetics (formerly Invitae), Labcorp
Classification: Uncertain significance for Severe combined immunodeficiency due to CORO1A deficiency. Last evaluated: 2021-08-31. Review status: criteria provided, single submitter. Criteria: Invitae Variant Classification Sherloc (09022015). Collection method: clinical testing. Allele origin: germline.
Comment: This sequence change replaces valine with isoleucine at codon 124 of the CORO1A protein (p.Val124Ile). The valine residue is moderately conserved and there is a small physicochemical difference between valine and isoleucine. This variant is present in population databases (rs775411755, ExAC 0.009%). This variant has not been reported in the literature in individuals affected with CORO1A-related conditions. Algorithms developed to predict the effect of missense changes on protein structure and function (SIFT, PolyPhen-2, Align-GVGD) all suggest that this variant is likely to be tolerated. In summary, the available evidence is currently insufficient to determine the role of this variant in disease. Therefore, it has been classified as a Variant of Uncertain Significance.